The following is an entry in ClinVar:

ClinVar aggregate classification (germline): Uncertain significance. Review status: criteria provided, multiple submitters, no conflicts (2 of 4 stars). 2 submissions from 2 submitters: Uncertain significance (2). Last evaluated 2024-01-03.

Conditions:
Epilepsy, familial adult myoclonic, 5 (EPEO5). Also called: CORTICAL MYOCLONIC TREMOR WITH EPILEPSY, FAMILIAL, 5. Identifiers: Orphanet 86814, MedGen C3809374, MONDO:0014167, OMIM 615400.

Allele frequency attached by ClinVar (database versions not stated): gnomAD 0.00007; TOPMed 0.00008.
gnomAD v4.1: 27 of 1,614,022 alleles (0.0017%); highest among the groups gnomAD compares: South Asian, 0.012%; no homozygotes.

Submissions (2):

Ambry Genetics
Classification: Uncertain significance. Last evaluated: 2024-01-03. Review status: criteria provided, single submitter. Criteria: Ambry Variant Classification Scheme 2023. Collection method: clinical testing. Allele origin: germline.

Labcorp Genetics (formerly Invitae), Labcorp
Classification: Uncertain significance for Epilepsy, familial adult myoclonic, 5. Last evaluated: 2022-07-11. Review status: criteria provided, single submitter. Criteria: Invitae Variant Classification Sherloc (09022015). Collection method: clinical testing. Allele origin: germline.
Comment: This sequence change replaces arginine, which is basic and polar, with glutamine, which is neutral and polar, at codon 244 of the CNTN2 protein (p.Arg244Gln). This variant is present in population databases (rs774885705, gnomAD 0.02%). This variant has not been reported in the literature in individuals affected with CNTN2-related conditions. ClinVar contains an entry for this variant (Variation ID: 848975). Advanced modeling of protein sequence and biophysical properties (such as structural, functional, and spatial information, amino acid conservation, physicochemical variation, residue mobility, and thermodynamic stability) performed at Invitae indicates that this missense variant is not expected to disrupt CNTN2 protein function. In summary, the available evidence is currently insufficient to determine the role of this variant in disease. Therefore, it has been classified as a Variant of Uncertain Significance.

NM_005076.5(CNTN2):c.731G>A (p.Arg244Gln)

Gene: CNTN2 (contactin 2; plus strand). Cytogenetic location: 1q32.1.
Variant type: single nucleotide variant.
Coding change: c.731G>A on transcript NM_005076.5 (MANE Select); coding-DNA position 731, G replaced by A.
Protein change: p.Arg244Gln; replaces arginine 244 with glutamine.
Molecular consequence: missense variant. On other transcripts: non-coding transcript variant (1).
Genome position (GRCh38, 1-based): chr1:205,059,616, G>A. VCF-style: chr1-205059616-G-A. GRCh37 (hg19) VCF-style: chr1-205028744-G-A.
Other names: c.731G>A, p.Arg244Gln (NM_001346083.2); short protein forms R244Q.
Identifiers: ClinVar variation 848975 (VCV000848975.5), dbSNP rs774885705, ClinGen allele CA1351136.